The following is an entry in ClinVar:

NM_000283.4(PDE6B):c.1424A>T (p.Lys475Met)

Gene: PDE6B (phosphodiesterase 6B; plus strand). Cytogenetic location: 4p16.3.
Variant type: single nucleotide variant.
Coding change: c.1424A>T on transcript NM_000283.4 (MANE Select); coding-DNA position 1424, A replaced by T.
Protein change: p.Lys475Met; replaces lysine 475 with methionine.
Molecular consequence: missense variant.
Genome position (GRCh38, 1-based): chr4:658,974, A>T. VCF-style: chr4-658974-A-T. GRCh37 (hg19) VCF-style: chr4-652763-A-T.
Other names: c.1424A>T, p.Lys475Met (NM_001145291.2); c.587A>T, p.Lys196Met (NM_001145292.2, NM_001350154.3, NM_001379246.1 and 1 more transcripts); c.269A>T, p.Lys90Met (NM_001350155.3); short protein forms K196M, K475M, K90M.
Identifiers: ClinVar variation 858232 (VCV000858232.10), dbSNP rs1736701038, ClinGen allele CA355915337.

ClinVar aggregate classification (germline): Uncertain significance (1 of 4 stars; one submission).

Allele frequency attached by ClinVar (database versions not stated): TOPMed below 0.00001; gnomAD 0.00001; gnomAD exomes 0.00001.
gnomAD v4.1: 17 of 1,613,408 alleles (0.0011%); highest among the groups gnomAD compares: Non-Finnish European, 0.0013%; no homozygotes.

Submission:

Labcorp Genetics (formerly Invitae), Labcorp
Classification: Uncertain significance. Last evaluated: 2019-12-27. Review status: criteria provided, single submitter. Criteria: Invitae Variant Classification Sherloc (09022015). Collection method: clinical testing. Allele origin: germline.
Comment: This sequence change replaces lysine with methionine at codon 475 of the PDE6B protein (p.Lys475Met). The lysine residue is highly conserved and there is a moderate physicochemical difference between lysine and methionine. This variant is not present in population databases (ExAC no frequency). This variant has not been reported in the literature in individuals with PDE6B-related conditions. Algorithms developed to predict the effect of missense changes on protein structure and function are either unavailable or do not agree on the potential impact of this missense change (SIFT: "Deleterious"; PolyPhen-2: "Possibly Damaging"; Align-GVGD: "Class C0"). In summary, the available evidence is currently insufficient to determine the role of this variant in disease. Therefore, it has been classified as a Variant of Uncertain Significance.